The following is an entry in ClinVar:

NM_022370.4(ROBO3):c.1189C>A (p.Pro397Thr)

Gene: ROBO3 (roundabout guidance receptor 3; plus strand). Cytogenetic location: 11q24.2.
Variant type: single nucleotide variant.
Coding change: c.1189C>A on transcript NM_022370.4 (MANE Select); coding-DNA position 1189, C replaced by A.
Protein change: p.Pro397Thr; replaces proline 397 with threonine.
Molecular consequence: missense variant.
Genome position (GRCh38, 1-based): chr11:124,872,411, C>A. VCF-style: chr11-124872411-C-A. GRCh37 (hg19) VCF-style: chr11-124742307-C-A.
Other names: short protein forms P397T.
Identifiers: ClinVar variation 303234 (VCV000303234.11), dbSNP rs114572753, ClinGen allele CA6343431.

ClinVar aggregate classification (germline): Benign. Review status: criteria provided, multiple submitters, no conflicts (2 of 4 stars). 4 submissions from 4 submitters: Benign (4). Last evaluated 2021-07-28.

Conditions:
Gaze palsy, familial horizontal, with progressive scoliosis 1 (HGPPS1). Identifiers: Orphanet 2744, MedGen C4551964, MONDO:0020790, OMIM 607313.

Allele frequency attached by ClinVar (database versions not stated): gnomAD exomes 0.00055 and 0.00130; ExAC 0.00167; 1000 Genomes Project 0.00499; gnomAD 0.00518 and 0.00563; 1000 Genomes Project 30x 0.00531; ESP Exome Variant Server 0.00557; TOPMed 0.00609.
gnomAD v4.1: 1,627 of 1,613,964 alleles (0.1%); highest among the groups gnomAD compares: African/African-American, 1.9%; 15 homozygotes.

Submissions (4):

Fulgent Genetics
Classification: Benign for Gaze palsy, familial horizontal, with progressive scoliosis 1. Last evaluated: 2021-07-28. Review status: criteria provided, single submitter. Criteria: ACMG Guidelines, 2015. Collection method: clinical testing. Allele origin: unknown.

Labcorp Genetics (formerly Invitae), Labcorp
Classification: Benign. Last evaluated: 2019-12-31. Review status: criteria provided, single submitter. Criteria: Invitae Variant Classification Sherloc (09022015). Collection method: clinical testing. Allele origin: germline.

Illumina Laboratory Services, Illumina
Classification: Benign for Gaze palsy, familial horizontal, with progressive scoliosis 1. Last evaluated: 2018-01-13. Review status: criteria provided, single submitter. Criteria: ICSL Variant Classification Criteria 13 December 2019. Collection method: clinical testing. Allele origin: germline.
Comment: This variant was observed in the ICSL laboratory as part of a predisposition screen in an ostensibly healthy population. It had not been previously curated by ICSL or reported in the Human Gene Mutation Database (HGMD: prior to June 1st, 2018), and was therefore a candidate for classification through an automated scoring system. Utilizing variant allele frequency, disease prevalence and penetrance estimates, and inheritance mode, an automated score was calculated to assess if this variant is too frequent to cause the disease. Based on the score and internal cut-off values, a variant classified as benign is not then subjected to further curation. The score for this variant resulted in a classification of benign for this disease.

Breakthrough Genomics
Classification: Benign. Review status: criteria provided, single submitter. Criteria: ACMG Guidelines, 2015. Collection method: not provided. Allele origin: germline. Inheritance: Autosomal recessive inheritance. Affected: yes.